The following is an entry in ClinVar:

ClinVar aggregate classification (germline): Uncertain significance. Review status: criteria provided, multiple submitters, no conflicts (2 of 4 stars). 2 submissions from 2 submitters: Uncertain significance (2). Last evaluated 2025-01-22.

Conditions:
Autosomal dominant limb-girdle muscular dystrophy type 1D (DNAJB6) (LGMDD1). Also called: MUSCULAR DYSTROPHY, LIMB-GIRDLE, TYPE 1D; MUSCULAR DYSTROPHY, AUTOSOMAL DOMINANT, WITH RIMMED VACUOLES; Autosomal dominant limb-girdle muscular dystrophy type 1D; Muscular dystrophy, limb-girdle, autosomal dominant 1. Identifiers: Orphanet 34516, MedGen C4721885, MONDO:0021018, OMIM 603511.

Allele frequency attached by ClinVar (database versions not stated): gnomAD exomes below 0.00001; gnomAD 0.00001.
gnomAD v4.1: 3 of 1,607,618 alleles (0.00019%); highest among the groups gnomAD compares: South Asian, 0.0011%; no homozygotes.

Submissions (2):

Labcorp Genetics (formerly Invitae), Labcorp
Classification: Uncertain significance for Autosomal dominant limb-girdle muscular dystrophy type 1D (DNAJB6). Last evaluated: 2025-01-22. Review status: criteria provided, single submitter. Criteria: Invitae Variant Classification Sherloc (09022015). Collection method: clinical testing. Allele origin: germline.
Comment: This sequence change creates a premature translational stop signal (p.Arg126*) in the DNAJB6 gene. It is expected to result in an absent or disrupted protein product. However, the current clinical and genetic evidence is not sufficient to establish whether loss-of-function variants in DNAJB6 cause disease. This variant is not present in population databases (gnomAD no frequency). This variant has not been reported in the literature in individuals affected with DNAJB6-related conditions. ClinVar contains an entry for this variant (Variation ID: 2440928). In summary, the available evidence is currently insufficient to determine the role of this variant in disease. Therefore, it has been classified as a Variant of Uncertain Significance.

Revvity Omics, Revvity
Classification: Uncertain significance for Autosomal dominant limb-girdle muscular dystrophy type 1D (DNAJB6). Last evaluated: 2021-02-16. Review status: criteria provided, single submitter. Criteria: ACMG Guidelines, 2015. Collection method: clinical testing. Allele origin: germline.

NM_058246.4(DNAJB6):c.376C>T (p.Arg126Ter)

Gene: DNAJB6 (DnaJ heat shock protein family (Hsp40) member B6; plus strand). Cytogenetic location: 7q36.3.
Variant type: single nucleotide variant.
Coding change: c.376C>T on transcript NM_058246.4 (MANE Select); coding-DNA position 376, C replaced by T.
Protein change: p.Arg126Ter; replaces arginine 126 with a stop codon.
Molecular consequence: nonsense. On other transcripts: intron variant (1).
Genome position (GRCh38, 1-based): chr7:157,382,275, C>T. VCF-style: chr7-157382275-C-T. GRCh37 (hg19) VCF-style: chr7-157174969-C-T.
Other names: c.376C>T, p.Arg126Ter (NM_005494.3); c.346+14792C>T (NM_001363676.1); short protein forms R126*.
Identifiers: ClinVar variation 2440928 (VCV002440928.5), dbSNP rs1584924401, ClinGen allele CA370166356.